The following is an entry in ClinVar:

NM_001267550.2(TTN):c.96680del (p.Leu32227fs)

Genes: TTN (titin; minus strand), TTN-AS1 (TTN antisense RNA 1; plus strand), LOC126806421 (CDK7 strongly-dependent group 2 enhancer GRCh37_chr2:179407630-179408829; plus strand). Cytogenetic location: 2q31.2.
Variant type: Deletion.
Coding change: c.96680del on transcript NM_001267550.2 (MANE Select); coding-DNA position 96680, one base deleted (T; older notation c.96680delT).
Protein change: p.Leu32227fs; shifts the reading frame from leucine 32227.
Molecular consequence: frameshift variant.
Genome position (GRCh38, 1-based): chr2:178,543,293, A deleted on the plus strand (T on the coding strand, the reverse complement: TTN is on the minus strand). VCF-style (leftmost placement, unchanged base first): chr2-178543292-GA-G. GRCh37 (hg19) VCF-style: chr2-179408019-GA-G.
Other names: c.91757del, p.Leu30586fs (NM_001256850.1); c.69485del, p.Leu23162fs (NM_003319.4); c.88976del, p.Leu29659fs (NM_133378.4); c.69860del, p.Leu23287fs (NM_133432.3); c.70061del, p.Leu23354fs (NM_133437.4); short protein forms L23162fs, L23287fs, L23354fs, L29659fs, L30586fs, L32227fs.
Identifiers: ClinVar variation 3748010 (VCV003748010.2).
Genomic context (GRCh38, chr2:178,543,292, plus strand): 5'-CTCTGTGCCAGCTTTGCAGGCCTCGAGAACATATCCAGTGAGTCGGCTACCACCATCGTA[GA>G]GTGGTTTTTCCCAGGCAAGGGTAACAGTGGATTTGGTGACATCGACCACTTCTAGCTTTG-3'

ClinVar aggregate classification (germline): Likely pathogenic (1 of 4 stars; one submission).

Conditions:
Dilated cardiomyopathy 1G (CMD1G). Identifiers: Orphanet 154, MedGen C1858763, MONDO:0011400, OMIM 604145.
Autosomal recessive limb-girdle muscular dystrophy type 2J (LGMDR10). Also called: Limb-girdle muscular dystrophy, type 2J; MUSCULAR DYSTROPHY, LIMB-GIRDLE, AUTOSOMAL RECESSIVE 10. Identifiers: Orphanet 140922, MedGen C1837342, MONDO:0012127, OMIM 608807.

Submission:

Labcorp Genetics (formerly Invitae), Labcorp
Classification: Likely pathogenic for Dilated cardiomyopathy 1G; Autosomal recessive limb-girdle muscular dystrophy type 2J. Last evaluated: 2024-02-29. Review status: criteria provided, single submitter. Criteria: Invitae Variant Classification Sherloc (09022015). Collection method: clinical testing. Allele origin: germline.
Comment: This sequence change creates a premature translational stop signal (p.Leu32227Profs*24) in the TTN gene. While this is not anticipated to result in nonsense mediated decay, it is expected to create a truncated TTN protein. This variant is not present in population databases (gnomAD no frequency). This variant has not been reported in the literature in individuals affected with TTN-related conditions. This variant is located in the A band of TTN (PMID: 25589632). Truncating variants in this region are significantly overrepresented in patients affected with dilated cardiomyopathy (PMID: 25589632). Truncating variants in this region have also been reported in individuals affected with autosomal recessive centronuclear myopathy (PMID: 23975875). In summary, the currently available evidence indicates that the variant is pathogenic, but additional data are needed to prove that conclusively. Therefore, this variant has been classified as Likely Pathogenic.

Literature cited by the submitters: PubMed 25589632; PubMed 23975875.